The following is an entry in ClinVar:

ClinVar aggregate classification (germline): Uncertain significance (1 of 4 stars; one submission).

Conditions:
Ataxia-telangiectasia syndrome (AT). Also called: ATAXIA-TELANGIECTASIA, COMPLEMENTATION GROUP A; ATAXIA-TELANGIECTASIA, FRESNO VARIANT; Ataxia-telangiectasia; LOUIS-BAR SYNDROME; Cerebello-oculocutaneous telangiectasia; Immunodeficiency with ataxia telangiectasia. Identifiers: Orphanet 100, MedGen C0004135, MONDO:0008840, OMIM 208900.

Submission:

Labcorp Genetics (formerly Invitae), Labcorp
Classification: Uncertain significance for Ataxia-telangiectasia syndrome. Last evaluated: 2025-06-06. Review status: criteria provided, single submitter. Criteria: Invitae Variant Classification Sherloc (09022015). Collection method: clinical testing. Allele origin: germline.
Comment: This sequence change falls in intron 27 of the ATM gene. It does not directly change the encoded amino acid sequence of the ATM protein. It affects a nucleotide within the consensus splice site. This variant is not present in population databases (gnomAD no frequency). This variant has not been reported in the literature in individuals affected with ATM-related conditions. Variants that disrupt the consensus splice site are a relatively common cause of aberrant splicing (PMID: 17576681, 9536098). Algorithms developed to predict the effect of sequence changes on RNA splicing suggest that this variant may disrupt the consensus splice site. In summary, the available evidence is currently insufficient to determine the role of this variant in disease. Therefore, it has been classified as a Variant of Uncertain Significance.

Literature cited by the submitters: PubMed 17576681; PubMed 9536098.

NM_000051.4(ATM):c.4109+3del

Gene: ATM (ATM serine/threonine kinase; plus strand). Cytogenetic location: 11q22.3.
Variant type: Deletion.
Coding change: c.4109+3del on transcript NM_000051.4 (MANE Select); 3 bases into the intron after coding-DNA position 4109, one base deleted (A; older notation c.4109+3delA).
Molecular consequence: intron variant.
Genome position (GRCh38, 1-based): chr11:108,287,718, A deleted. VCF-style (leftmost placement, unchanged base first): chr11-108287717-TA-T. GRCh37 (hg19) VCF-style: chr11-108158444-TA-T.
Other names: c.4109+3del (NM_001351834.2).
Identifiers: ClinVar variation 4720537 (VCV004720537.1).